The following is an entry in ClinVar:

ClinVar aggregate classification (germline): Uncertain significance (1 of 4 stars; one submission).

gnomAD v4.1: 3 of 1,613,402 alleles (0.00019%); highest among the groups gnomAD compares: Non-Finnish European, 0.00017%; no homozygotes.

Submission:

Dasa
Classification: Uncertain significance. Last evaluated: 2025-07-08. Review status: criteria provided, single submitter. Criteria: DASA Assertion Criteria. Collection method: clinical testing. Allele origin: germline.
Comment: NM_001289080.2(CNTN6):c.1603T>C (p.Trp535Arg) is a missense variant that results in the substitution of tryptophan with arginine. This variant is rare in population databases. Computational prediction algorithms are consistent with a deleterious effect. The currently available literature and clinical evidence are not sufficient to establish a definitive association between this variant and the reported condition. Therefore, this variant is classified as a variant of uncertain significance.

NM_001289080.2(CNTN6):c.1603T>C (p.Trp535Arg)

Gene: CNTN6 (contactin 6; plus strand). Cytogenetic location: 3p26.3.
Variant type: single nucleotide variant.
Coding change: c.1603T>C on transcript NM_001289080.2 (MANE Select); coding-DNA position 1603, T replaced by C.
Protein change: p.Trp535Arg; replaces tryptophan 535 with arginine.
Molecular consequence: missense variant.
Genome position (GRCh38, 1-based): chr3:1,372,409, T>C. VCF-style: chr3-1372409-T-C. GRCh37 (hg19) VCF-style: chr3-1414093-T-C.
Other names: c.1387T>C, p.Trp463Arg (NM_001289081.2); c.1603T>C, p.Trp535Arg (NM_001349350.2, NM_001349351.2, NM_001349352.2 and 4 more transcripts); c.1495T>C, p.Trp499Arg (NM_001349356.2); c.1291T>C, p.Trp431Arg (NM_001349357.2); c.1048T>C, p.Trp350Arg (NM_001349358.2); c.481T>C, p.Trp161Arg (NM_001349359.2, NM_001349360.2, NM_001349361.2 and 1 more transcripts); short protein forms W161R, W350R, W431R, W463R, W499R, W535R.
Identifiers: ClinVar variation 4886617 (VCV004886617.2).